The following is an entry in ClinVar:

ClinVar aggregate classification (germline): Uncertain significance (1 of 4 stars; one submission).

Submission:

GeneDx
Classification: Uncertain significance. Last evaluated: 2019-05-15. Review status: criteria provided, single submitter. Criteria: GeneDx Variant Classification Process June 2021. Collection method: clinical testing. Allele origin: germline. Affected: yes.
Comment: Frameshift variant predicted to result in protein truncation or nonsense mediated decay in a gene for which loss-of-function is not a known mechanism of disease; Not observed in large population cohorts (Lek et al., 2016); Variants in candidate genes are classified as variants of uncertain significance in accordance with ACMG guidelines (Richards et al., 2015); Has not been previously published as pathogenic or benign to our knowledge

NM_014991.6(WDFY3):c.2222_2225del (p.Thr741fs)

Genes: WDFY3 (WD repeat and FYVE domain containing 3; minus strand), WDFY3-AS1 (WDFY3 antisense RNA 1; plus strand). Cytogenetic location: 4q21.23.
Variant type: Deletion.
Coding change: c.2222_2225del on transcript NM_014991.6 (MANE Select); coding-DNA positions 2222 to 2225, 4 bases deleted (CACA; older notation c.2222_2225delCACA).
Protein change: p.Thr741fs; shifts the reading frame from threonine 741.
Molecular consequence: frameshift variant.
Genome position (GRCh38, 1-based): chr4:84,810,007-84,810,010, TGTG deleted on the plus strand (CACA on the coding strand, the reverse complement: WDFY3 is on the minus strand); deleting any 4 consecutive bases within chr4:84,810,007-84,810,011 gives the same sequence; the c. name uses the placement nearest the transcript's 3' end. VCF-style (leftmost placement, unchanged base first): chr4-84810006-CTGTG-C. GRCh37 (hg19) VCF-style: chr4-85731159-CTGTG-C.
Other names: short protein forms T741fs.
Identifiers: ClinVar variation 1304785 (VCV001304785.2), dbSNP rs2149726879, ClinGen allele CA2573052366.